The following is an entry in ClinVar:

NM_001029883.3(PCARE):c.2540A>C (p.Glu847Ala)

Gene: PCARE (photoreceptor cilium actin regulator; minus strand). Cytogenetic location: 2p23.2.
Variant type: single nucleotide variant.
Coding change: c.2540A>C on transcript NM_001029883.3 (MANE Select); coding-DNA position 2540, A replaced by C.
Protein change: p.Glu847Ala; replaces glutamic acid 847 with alanine.
Molecular consequence: missense variant.
Genome position (GRCh38, 1-based): chr2:29,071,722, T>G on the plus strand (A>C on the coding strand, the complement: PCARE is on the minus strand). VCF-style: chr2-29071722-T-G. GRCh37 (hg19) VCF-style: chr2-29294588-T-G.
Other names: short protein forms E847A.
Identifiers: ClinVar variation 2135163 (VCV002135163.4), dbSNP rs2465275048, ClinGen allele CA346477318.
Genomic context (GRCh38, chr2:29,071,722, plus strand): 5'-GGCCCTGGCTCCTGGGTTTCCTTGGGGGAGTTCTCTGTGGACTTGCTGCTTTCTGGGGAC[T>G]CCAGAGAAGCGAATGATTTGTCCATCAGAACTTCCATAGGCGGTGGAGGGAGGTGCTCGA-3'
Protein context (NP_001025054.1, residues 837-857): VLMDKSFASL[Glu847Ala]SPESSKSTEN

ClinVar aggregate classification (germline): Uncertain significance (1 of 4 stars; one submission).

Submission:

Labcorp Genetics (formerly Invitae), Labcorp
Classification: Uncertain significance. Last evaluated: 2022-05-07. Review status: criteria provided, single submitter. Criteria: Invitae Variant Classification Sherloc (09022015). Collection method: clinical testing. Allele origin: germline.
Comment: This sequence change replaces glutamic acid, which is acidic and polar, with alanine, which is neutral and non-polar, at codon 847 of the PCARE protein (p.Glu847Ala). This variant is not present in population databases (gnomAD no frequency). This variant has not been reported in the literature in individuals affected with PCARE-related conditions. Algorithms developed to predict the effect of missense changes on protein structure and function (SIFT, PolyPhen-2, Align-GVGD) all suggest that this variant is likely to be disruptive. In summary, the available evidence is currently insufficient to determine the role of this variant in disease. Therefore, it has been classified as a Variant of Uncertain Significance.